The following is an entry in ClinVar:

ClinVar aggregate classification (germline): Uncertain significance. Review status: criteria provided, multiple submitters, no conflicts (2 of 4 stars). 2 submissions from 2 submitters: Uncertain significance (2). Last evaluated 2025-05-19.

Conditions:
Inborn genetic diseases. Identifiers: MedGen C0950123, MeSH D030342.

Allele frequency attached by ClinVar (database versions not stated): ExAC 0.00002; gnomAD 0.00002; TOPMed 0.00004; ESP Exome Variant Server 0.00008; gnomAD exomes 0.00001.
gnomAD v4.1: 23 of 1,613,432 alleles (0.0014%); highest among the groups gnomAD compares: Non-Finnish European, 0.0019%; no homozygotes.

Submissions (2):

Ambry Genetics
Classification: Uncertain significance for Inborn genetic diseases. Last evaluated: 2025-05-19. Review status: criteria provided, single submitter. Criteria: Ambry Variant Classification Scheme 2023. Collection method: clinical testing. Allele origin: germline.

Labcorp Genetics (formerly Invitae), Labcorp
Classification: Uncertain significance. Last evaluated: 2021-09-24. Review status: criteria provided, single submitter. Criteria: Invitae Variant Classification Sherloc (09022015). Collection method: clinical testing. Allele origin: germline.
Comment: This sequence change replaces aspartic acid with glycine at codon 450 of the SLC4A11 protein (p.Asp450Gly). The aspartic acid residue is highly conserved and there is a moderate physicochemical difference between aspartic acid and glycine. This variant is present in population databases (rs149067805, ExAC 0.005%). This variant has not been reported in the literature in individuals with SLC4A11-related conditions. Algorithms developed to predict the effect of missense changes on protein structure and function output the following: SIFT: "Tolerated"; PolyPhen-2: "Benign"; Align-GVGD: "Class C0". The glycine amino acid residue is found in multiple mammalian species, suggesting that this missense change does not adversely affect protein function. These predictions have not been confirmed by published functional studies and their clinical significance is uncertain. Algorithms developed to predict the effect of sequence changes on RNA splicing suggest that this variant may create or strengthen a splice site, but this prediction has not been confirmed by published transcriptional studies. In summary, the available evidence is currently insufficient to determine the role of this variant in disease. Therefore, it has been classified as a Variant of Uncertain Significance.

NM_001174089.2(SLC4A11):c.1301A>G (p.Asp434Gly)

Gene: SLC4A11 (solute carrier family 4 member 11; minus strand). Cytogenetic location: 20p13.
Variant type: single nucleotide variant.
Coding change: c.1301A>G on transcript NM_001174089.2 (MANE Select); coding-DNA position 1301, A replaced by G.
Protein change: p.Asp434Gly; replaces aspartic acid 434 with glycine.
Molecular consequence: missense variant. On other transcripts: non-coding transcript variant (3).
Genome position (GRCh38, 1-based): chr20:3,230,629, T>C on the plus strand (A>G on the coding strand, the complement: SLC4A11 is on the minus strand). VCF-style: chr20-3230629-T-C. GRCh37 (hg19) VCF-style: chr20-3211275-T-C.
Other names: c.1430A>G, p.Asp477Gly (NM_001174090.2); c.1187A>G, p.Asp396Gly (NM_001363745.2); c.1244A>G, p.Asp415Gly (NM_001400277.1, NM_001400278.1, NM_001400279.1); c.1316A>G, p.Asp439Gly (NM_001400280.1); c.1349A>G, p.Asp450Gly (NM_032034.4); c.1349A>G (NM_032034.3); short protein forms D439G, D477G, D450G, D415G, D434G, D396G.
Identifiers: ClinVar variation 2178387 (VCV002178387.2), dbSNP rs149067805, ClinGen allele CA9741890.
Genomic context (GRCh38, chr20:3,230,629, plus strand): 5'-AAGAAACTATTCCACAGGCCCGTCCATGCGTAGAAGGAGTTGAAGTCCAGGTCATAGTCA[T>C]CACAGATGACACGAATCACTGCAGGCAGGGGGCAGGGCGGGTCAGGGCCCGGCAGGAACC-3'
Protein context (NP_001167560.1, residues 424-444): LYIQVIRVIC[Asp434Gly]DYDLDFNSFY